The following is an entry in ClinVar:

ClinVar aggregate classification (germline): Uncertain significance (1 of 4 stars; one submission).

Conditions:
Hereditary cancer-predisposing syndrome. Also called: Neoplastic Syndromes, Hereditary; Tumor predisposition; Hereditary neoplastic syndrome; Hereditary Cancer Syndrome. Identifiers: Orphanet 140162, MedGen C0027672, MeSH D009386, MONDO:0015356.

Submission:

Ambry Genetics
Classification: Uncertain significance for Hereditary cancer-predisposing syndrome. Last evaluated: 2026-08-08. Review status: criteria provided, single submitter. Criteria: Ambry Variant Classification Scheme 2023. Collection method: clinical testing. Allele origin: germline.
Comment: The p.V1986D variant (also known as c.5957T>A), located in coding exon 10 of the BRCA2 gene, results from a T to A substitution at nucleotide position 5957. The valine at codon 1986 is replaced by aspartic acid, an amino acid with highly dissimilar properties. This amino acid position is conserved. In addition, the in silico prediction for this alteration is inconclusive. Based on the available evidence, the clinical significance of this variant remains unclear.

NM_000059.4(BRCA2):c.5957T>A (p.Val1986Asp)

Gene: BRCA2 (BRCA2 DNA repair associated; plus strand). Cytogenetic location: 13q13.1.
Variant type: single nucleotide variant.
Coding change: c.5957T>A on transcript NM_000059.4 (MANE Select); coding-DNA position 5957, T replaced by A.
Protein change: p.Val1986Asp; replaces valine 1986 with aspartic acid.
Molecular consequence: missense variant. On other transcripts: non-coding transcript variant (1), intron variant (2).
Genome position (GRCh38, 1-based): chr13:32,340,312, T>A. VCF-style: chr13-32340312-T-A. GRCh37 (hg19) VCF-style: chr13-32914449-T-A.
Other names: c.5957T>A, p.Val1986Asp (NM_001406719.1, NM_001406720.1, NM_001432077.1); c.1910-4246T>A (NM_001406721.1); c.425-4246T>A (NM_001406722.1); short protein forms V1986D.
Identifiers: ClinVar variation 5033339 (VCV005033339.1).